The following is an entry in ClinVar:

NM_001370785.2(LRRC7):c.1839T>C (p.Asp613=)

Gene: LRRC7 (leucine rich repeat containing 7; plus strand). Cytogenetic location: 1p31.1.
Variant type: single nucleotide variant.
Coding change: c.1839T>C on transcript NM_001370785.2 (MANE Select); coding-DNA position 1839, T replaced by C.
Protein change: p.Asp613=; no amino-acid change (aspartic acid 613 retained).
Molecular consequence: synonymous variant.
Genome position (GRCh38, 1-based): chr1:70,028,215, T>C. VCF-style: chr1-70028215-T-C. GRCh37 (hg19) VCF-style: chr1-70493898-T-C.
Other names: c.1740T>C, p.Asp580= (NM_001330635.3, NM_001366839.3, NM_001366841.1); c.1842T>C, p.Asp614= (NM_001350216.3); c.1839T>C, p.Asp613= (NM_001366838.3).
Identifiers: ClinVar variation 5039435 (VCV005039435.1).
Genomic context (GRCh38, chr1:70,028,215, plus strand): 5'-TTTTGTAAACTTCTAGGTTGAAATAAACCTAAAACGATATCCAACTCCTTACCCAGAGGA[T>C]TTAAAGAATATGGTAAAATCTGTTCAAAATTTGGTGGGTAAGCCAAGCCATGGAGTGCGT-3'
Protein context (NP_001357714.1, residues 603-623): LKRYPTPYPE[Asp613=]LKNMVKSVQN

ClinVar aggregate classification (germline): Likely benign (1 of 4 stars; one submission).

gnomAD v4.1: 53 of 1,613,648 alleles (0.0033%); highest among the groups gnomAD compares: Admixed American, 0.018%; no homozygotes.

Submission:

CeGaT Center for Human Genetics Tuebingen
Classification: Likely benign. Last evaluated: 2026-08-01. Review status: criteria provided, single submitter. Criteria: CeGaT Center For Human Genetics Tuebingen Variant Classification Criteria Version 2. Collection method: clinical testing. Allele origin: germline. Affected: yes. Observed: 1 variant allele.
Comment: LRRC7: BP4, BP7